The following is an entry in ClinVar:

NM_001267550.2(TTN):c.106948G>A (p.Glu35650Lys)

Genes: TTN-AS1 (TTN antisense RNA 1; plus strand), TTN (titin; minus strand). Cytogenetic location: 2q31.2.
Variant type: single nucleotide variant.
Coding change: c.106948G>A on transcript NM_001267550.2 (MANE Select); coding-DNA position 106948, G replaced by A.
Protein change: p.Glu35650Lys; replaces glutamic acid 35650 with lysine.
Molecular consequence: missense variant.
Genome position (GRCh38, 1-based): chr2:178,528,803, C>T on the plus strand (G>A on the coding strand, the complement: TTN is on the minus strand). VCF-style: chr2-178528803-C-T. GRCh37 (hg19) VCF-style: chr2-179393530-C-T.
Other names: c.102025G>A, p.Glu34009Lys (NM_001256850.1); c.79753G>A, p.Glu26585Lys (NM_003319.4); c.99244G>A, p.Glu33082Lys (NM_133378.4); c.80128G>A, p.Glu26710Lys (NM_133432.3); c.80329G>A, p.Glu26777Lys (NM_133437.4); short protein forms E26710K, E33082K, E26777K, E34009K, E35650K, E26585K.
Identifiers: ClinVar variation 2945211 (VCV002945211.3), dbSNP rs2468301022, ClinGen allele CA349402499.

ClinVar aggregate classification (germline): Uncertain significance (1 of 4 stars; one submission).

Conditions:
Dilated cardiomyopathy 1G (CMD1G). Identifiers: Orphanet 154, MedGen C1858763, MONDO:0011400, OMIM 604145.
Autosomal recessive limb-girdle muscular dystrophy type 2J (LGMDR10). Also called: Limb-girdle muscular dystrophy, type 2J; MUSCULAR DYSTROPHY, LIMB-GIRDLE, AUTOSOMAL RECESSIVE 10. Identifiers: Orphanet 140922, MedGen C1837342, MONDO:0012127, OMIM 608807.

Submission:

Labcorp Genetics (formerly Invitae), Labcorp
Classification: Uncertain significance for Dilated cardiomyopathy 1G; Autosomal recessive limb-girdle muscular dystrophy type 2J. Last evaluated: 2023-03-10. Review status: criteria provided, single submitter. Criteria: Invitae Variant Classification Sherloc (09022015). Collection method: clinical testing. Allele origin: germline.
Comment: This variant has not been reported in the literature in individuals affected with TTN-related conditions. This variant is located in the M band of TTN (PMID: 25589632). Variants in this region may be relevant for neuromuscular disorders, but have not been definitively shown to cause cardiomyopathy (PMID: 23975875). In summary, the available evidence is currently insufficient to determine the role of this variant in disease. Therefore, it has been classified as a Variant of Uncertain Significance. Experimental studies and prediction algorithms are not available or were not evaluated, and the functional significance of this variant is currently unknown. This variant is not present in population databases (gnomAD no frequency). This sequence change replaces glutamic acid, which is acidic and polar, with lysine, which is basic and polar, at codon 35650 of the TTN protein (p.Glu35650Lys).

Literature cited by the submitters: PubMed 25589632; PubMed 23975875.